The following is an entry in ClinVar:

ClinVar aggregate classification (germline): Uncertain significance (1 of 4 stars; one submission).

Submission:

Labcorp Genetics (formerly Invitae), Labcorp
Classification: Uncertain significance. Last evaluated: 2021-03-07. Review status: criteria provided, single submitter. Criteria: Invitae Variant Classification Sherloc (09022015). Collection method: clinical testing. Allele origin: germline.
Comment: In summary, the available evidence is currently insufficient to determine the role of this variant in disease. Therefore, it has been classified as a Variant of Uncertain Significance. Algorithms developed to predict the effect of sequence changes on RNA splicing suggest that this variant may create or strengthen a splice site, but this prediction has not been confirmed by published transcriptional studies. This sequence change replaces lysine with threonine at codon 2541 of the FAT4 protein (p.Lys2541Thr). The lysine residue is highly conserved and there is a moderate physicochemical difference between lysine and threonine. This variant is not present in population databases (ExAC no frequency). Advanced modeling of protein sequence and biophysical properties (such as structural, functional, and spatial information, amino acid conservation, physicochemical variation, residue mobility, and thermodynamic stability) performed at Invitae indicates that this missense variant is not expected to disrupt FAT4 protein function. This variant has not been reported in the literature in individuals with FAT4-related conditions.

NM_001291303.3(FAT4):c.7628A>C (p.Lys2543Thr)

Gene: FAT4 (FAT atypical cadherin 4; plus strand). Cytogenetic location: 4q28.1.
Variant type: single nucleotide variant.
Coding change: c.7628A>C on transcript NM_001291303.3 (MANE Select); coding-DNA position 7628, A replaced by C.
Protein change: p.Lys2543Thr; replaces lysine 2543 with threonine.
Molecular consequence: missense variant.
Genome position (GRCh38, 1-based): chr4:125,448,638, A>C. VCF-style: chr4-125448638-A-C. GRCh37 (hg19) VCF-style: chr4-126369793-A-C.
Other names: c.7628A>C, p.Lys2543Thr (NM_001291285.3); c.7622A>C, p.Lys2541Thr (NM_024582.6); short protein forms K2543T, K2541T.
Identifiers: ClinVar variation 1377162 (VCV001377162.8), dbSNP rs2126056866, ClinGen allele CA358140723.